The following is an entry in ClinVar:

NM_000059.4(BRCA2):c.9488A>T (p.Lys3163Ile)

Gene: BRCA2 (BRCA2 DNA repair associated; plus strand). Cytogenetic location: 13q13.1.
Variant type: single nucleotide variant.
Coding change: c.9488A>T on transcript NM_000059.4 (MANE Select); coding-DNA position 9488, A replaced by T.
Protein change: p.Lys3163Ile; replaces lysine 3163 with isoleucine.
Molecular consequence: missense variant.
Genome position (GRCh38, 1-based): chr13:32,394,920, A>T. VCF-style: chr13-32394920-A-T. GRCh37 (hg19) VCF-style: chr13-32969057-A-T.
Other names: short protein forms K3163I.
Identifiers: ClinVar variation 823277 (VCV000823277.5), dbSNP rs1593200010, ClinGen allele CA387761847.

ClinVar aggregate classification (germline): Uncertain significance. Review status: criteria provided, multiple submitters, no conflicts (2 of 4 stars). 2 submissions from 2 submitters: Uncertain significance (2). Last evaluated 2024-03-05.

Conditions:
Hereditary cancer-predisposing syndrome. Also called: Tumor predisposition; Hereditary Cancer Syndrome; Neoplastic Syndromes, Hereditary; Hereditary neoplastic syndrome. Identifiers: Orphanet 140162, MedGen C0027672, MeSH D009386, MONDO:0015356.
BRCA2-related cancer predisposition. Identifiers: MedGen CN377758, MONDO:0700269.

Submissions (2):

All of Us Research Program, National Institutes of Health
Classification: Uncertain significance for BRCA2-related cancer predisposition. Last evaluated: 2024-03-05. Review status: criteria provided, single submitter. Criteria: ACMG Guidelines, 2015. Collection method: clinical testing. Allele origin: germline. Inheritance: Autosomal dominant inheritance. Observed: 1 variant allele, 1 heterozygote.
Comment: This study involves interpretation of variants in research participants for the purpose of population health screening. Participant phenotype was not available at the time of variant classification. Additional details can be found in publication PMID: 35346344, PMCID: PMC8962531

Ambry Genetics
Classification: Uncertain significance for Hereditary cancer-predisposing syndrome. Last evaluated: 2019-02-13. Review status: criteria provided, single submitter. Criteria: Ambry Variant Classification Scheme 2023. Collection method: clinical testing. Allele origin: germline.
Comment: The p.K3163I variant (also known as c.9488A>T), located in coding exon 24 of the BRCA2 gene, results from an A to T substitution at nucleotide position 9488. The lysine at codon 3163 is replaced by isoleucine, an amino acid with dissimilar properties. This amino acid position is not well conserved in available vertebrate species. In addition, the in silico prediction for this alteration is inconclusive. Since supporting evidence is limited at this time, the clinical significance of this alteration remains unclear.